The following is an entry in ClinVar:

NM_174936.4(PCSK9):c.460A>G (p.Ile154Val)

Gene: PCSK9 (proprotein convertase subtilisin/kexin type 9; plus strand). Cytogenetic location: 1p32.3.
Variant type: single nucleotide variant.
Coding change: c.460A>G on transcript NM_174936.4 (MANE Select); coding-DNA position 460, A replaced by G.
Protein change: p.Ile154Val; replaces isoleucine 154 with valine.
Molecular consequence: missense variant. On other transcripts: non-coding transcript variant (6).
Genome position (GRCh38, 1-based): chr1:55,046,583, A>G. VCF-style: chr1-55046583-A-G. GRCh37 (hg19) VCF-style: chr1-55512256-A-G.
Other names: c.583A>G, p.Ile195Val (NM_001407240.1); c.460A>G, p.Ile154Val (NM_001407241.1, NM_001407242.1, NM_001407244.1 and 1 more transcripts); c.403A>G, p.Ile135Val (NM_001407243.1); c.268A>G, p.Ile90Val (NM_001407245.1); c.85A>G, p.Ile29Val (NM_001407246.1); short protein forms I135V, I154V, I195V, I29V, I90V.
Identifiers: ClinVar variation 4758102 (VCV004758102.1).

ClinVar aggregate classification (germline): Uncertain significance (1 of 4 stars; one submission).

Conditions:
Familial hypercholesterolemia. Also called: Familial hypercholesterolaemia. Identifiers: MedGen C0020445, MONDO:0005439.

gnomAD v4.1: 1 of 1,614,166 alleles (0.000062%); highest among the groups gnomAD compares: Admixed American, 0.0017%; no homozygotes.

Submission:

Color Diagnostics, LLC DBA Color Health
Classification: Uncertain significance for Familial hypercholesterolemia. Last evaluated: 2025-09-29. Review status: criteria provided, single submitter. Criteria: ACMG Guidelines, 2015. Collection method: clinical testing. Allele origin: germline.
Comment: This missense variant replaces isoleucine with valine at codon 154 of the PCSK9 protein. Computational prediction suggests that this variant may not impact protein structure and function. To our knowledge, functional studies have not been reported for this variant. This variant has not been reported in individuals affected with PCSK9-related disorders in the literature. This variant has been identified in 1/1461886 chromosomes in the general population by the Genome Aggregation Database (gnomAD). The available evidence is insufficient to determine the role of this variant in disease conclusively. Therefore, this variant is classified as a Variant of Uncertain Significance.